The following is an entry in ClinVar:

ClinVar aggregate classification (germline): Uncertain significance (1 of 4 stars; one submission).

gnomAD v4.1: 1 of 1,614,184 alleles (0.000062%); highest among the groups gnomAD compares: Non-Finnish European, 0.000085%; no homozygotes.

Submission:

Women's Health and Genetics/Laboratory Corporation of America, LabCorp
Classification: Uncertain significance. Last evaluated: 2026-04-06. Review status: criteria provided, single submitter. Criteria: LabCorp Variant Classification Summary - May 2015. Collection method: clinical testing. Allele origin: germline.
Comment: Variant summary: HIVEP2 c.2821C>T (p.Arg941Cys) results in a non-conservative amino acid change in the encoded protein sequence. Algorithms developed to predict the effect of missense changes on protein structure and function are either unavailable or do not agree on the potential impact of this missense change. The variant was absent in 249530 control chromosomes. The available data on variant occurrences in the general population are insufficient to allow any conclusion about variant significance. To our knowledge, no occurrence of c.2821C>T in individuals affected with HIVEP2-related conditions and no experimental evidence demonstrating its impact on protein function have been reported. No submitters have cited clinical-significance assessments for this variant to ClinVar. Based on the evidence outlined above, the variant was classified as uncertain significance.

NM_006734.4(HIVEP2):c.2821C>T (p.Arg941Cys)

Gene: HIVEP2 (HIVEP zinc finger 2; minus strand). Cytogenetic location: 6q24.2.
Variant type: single nucleotide variant.
Coding change: c.2821C>T on transcript NM_006734.4 (MANE Select); coding-DNA position 2821, C replaced by T.
Protein change: p.Arg941Cys; replaces arginine 941 with cysteine.
Molecular consequence: missense variant.
Genome position (GRCh38, 1-based): chr6:142,771,918, G>A on the plus strand (C>T on the coding strand, the complement: HIVEP2 is on the minus strand). VCF-style: chr6-142771918-G-A. GRCh37 (hg19) VCF-style: chr6-143093055-G-A.
Other names: c.2821C>T, p.Arg941Cys (NM_001438449.1, NM_001438450.1, NM_001438451.1); short protein forms R941C.
Identifiers: ClinVar variation 4848898 (VCV004848898.1).